The following is an entry in ClinVar:

ClinVar aggregate classification (germline): Likely benign (1 of 4 stars; one submission).

Allele frequency attached by ClinVar (database versions not stated): gnomAD exomes below 0.00001; TOPMed below 0.00001; gnomAD 0.00001.
gnomAD v4.1: 6 of 1,612,638 alleles (0.00037%); highest among the groups gnomAD compares: Admixed American, 0.0017%; no homozygotes.

Submission:

CeGaT Center for Human Genetics Tuebingen
Classification: Likely benign. Last evaluated: 2024-06-01. Review status: criteria provided, single submitter. Criteria: CeGaT Center For Human Genetics Tuebingen Variant Classification Criteria Version 2. Collection method: clinical testing. Allele origin: germline. Affected: yes. Observed: 1 variant allele.
Comment: KDM6B: BP4, BP7

NM_001348716.2(KDM6B):c.4755C>T (p.Ile1585=)

Gene: KDM6B (lysine demethylase 6B; plus strand). Cytogenetic location: 17p13.1.
Variant type: single nucleotide variant.
Coding change: c.4755C>T on transcript NM_001348716.2 (MANE Select); coding-DNA position 4755, C replaced by T.
Protein change: p.Ile1585=; no amino-acid change (isoleucine 1585 retained).
Molecular consequence: synonymous variant.
Genome position (GRCh38, 1-based): chr17:7,853,227, C>T. VCF-style: chr17-7853227-C-T. GRCh37 (hg19) VCF-style: chr17-7756545-C-T.
Other names: c.4755C>T, p.Ile1585= (NM_001080424.2).
Identifiers: ClinVar variation 3250696 (VCV003250696.18), dbSNP rs2078738623.